The following is an entry in ClinVar:

ClinVar aggregate classification (germline): Uncertain significance (1 of 4 stars; one submission).

Submission:

Ambry Genetics
Classification: Uncertain significance. Last evaluated: 2025-03-31. Review status: criteria provided, single submitter. Criteria: Ambry Variant Classification Scheme 2023. Collection method: clinical testing. Allele origin: germline.
Comment: The p.A216V variant (also known as c.647C>T), located in coding exon 4 of the ATRIP gene, results from a C to T substitution at nucleotide position 647. The alanine at codon 216 is replaced by valine, an amino acid with similar properties. This amino acid position is conserved. In addition, this alteration is predicted to be tolerated by in silico analysis. Based on the available evidence, the clinical significance of this variant remains unclear.

NM_130384.3(ATRIP):c.647C>T (p.Ala216Val)

Genes: ATRIP (ATR interacting protein; plus strand), ATRIP-TREX1 (ATRIP-TREX1 readthrough; plus strand). Cytogenetic location: 3p21.31.
Variant type: single nucleotide variant.
Coding change: c.647C>T on transcript NM_130384.3 (MANE Select); coding-DNA position 647, C replaced by T.
Protein change: p.Ala216Val; replaces alanine 216 with valine.
Molecular consequence: missense variant. On other transcripts: non-coding transcript variant (1).
Genome position (GRCh38, 1-based): chr3:48,454,394, C>T. VCF-style: chr3-48454394-C-T. GRCh37 (hg19) VCF-style: chr3-48495794-C-T.
Other names: c.266C>T, p.Ala89Val (NM_001271022.2); c.368C>T, p.Ala123Val (NM_001271023.2); c.647C>T, p.Ala216Val (NM_032166.4); short protein forms A123V, A89V, A216V.
Identifiers: ClinVar variation 3975860 (VCV003975860.1).